The following is an entry in ClinVar:

NM_000238.4(KCNH2):c.2320G>T (p.Asp774Tyr)

Gene: KCNH2 (potassium voltage-gated channel subfamily H member 2; minus strand). Cytogenetic location: 7q36.1.
Variant type: single nucleotide variant.
Coding change: c.2320G>T on transcript NM_000238.4 (MANE Select); coding-DNA position 2320, G replaced by T.
Protein change: p.Asp774Tyr; replaces aspartic acid 774 with tyrosine.
Molecular consequence: missense variant.
Genome position (GRCh38, 1-based): chr7:150,950,246, C>A on the plus strand (G>T on the coding strand, the complement: KCNH2 is on the minus strand). VCF-style: chr7-150950246-C-A. GRCh37 (hg19) VCF-style: chr7-150647334-C-A.
Other names: p.D774Y:GAC>TAC; c.2320G>T (LRG_288t1); c.1300G>T, p.Asp434Tyr (NM_001204798.2, NM_172057.3); c.2032G>T, p.Asp678Tyr (NM_001406753.1, NM_001406756.1); c.2143G>T, p.Asp715Tyr (NM_001406755.1); c.2020G>T, p.Asp674Tyr (NM_001406757.1); c.2320G>T, p.Asp774Tyr (NM_172056.3); short protein forms D434Y, D774Y, D674Y, D678Y, D715Y.
Identifiers: ClinVar variation 67385 (VCV000067385.12), dbSNP rs199472995, ClinGen allele CA006441.

ClinVar aggregate classification (germline): Pathogenic/Likely pathogenic. Review status: criteria provided, multiple submitters, no conflicts (2 of 4 stars). 5 submissions from 5 submitters: Pathogenic (3); Likely pathogenic (1). 1 of the submissions does not count toward it. Last evaluated 2024-01-12.

Conditions:
KCNH2-related disorder. Also called: KCNH2-related disorders; KCNH2-related condition.
Familial long QT syndrome (RWS). Also called: Congenital long QT syndrome; Romano-Ward syndrome; VENTRICULAR FIBRILLATION WITH PROLONGED QT INTERVAL. Identifiers: Orphanet 768, MedGen C1141890, MONDO:0019171.
Long QT syndrome (LQTS). Identifiers: MedGen C0023976, MeSH D008133, MONDO:0002442. Disease mechanism: loss of function. Inheritance: Various modes of inheritance.

Allele frequency attached by ClinVar (database versions not stated): gnomAD exomes below 0.00001.
gnomAD v4.1: 2 of 1,612,944 alleles (0.00012%); highest among the groups gnomAD compares: Non-Finnish European, 0.00017%; no homozygotes.

Submissions (5):

Blueprint Genetics
Classification: Pathogenic for KCNH2-related disorders. Last evaluated: 2024-01-12. Review status: criteria provided, single submitter. Criteria: ACMG Guidelines, 2015. Collection method: clinical testing. Allele origin: germline. Affected: yes. Observed: 1 variant allele.

Labcorp Genetics (formerly Invitae), Labcorp
Classification: Pathogenic for Long QT syndrome. Last evaluated: 2023-07-08. Review status: criteria provided, single submitter. Criteria: Invitae Variant Classification Sherloc (09022015). Collection method: clinical testing. Allele origin: germline.
Comment: This sequence change replaces aspartic acid, which is acidic and polar, with tyrosine, which is neutral and polar, at codon 774 of the KCNH2 protein (p.Asp774Tyr). This variant is not present in population databases (gnomAD no frequency). This missense change has been observed in individuals with long QT syndrome (PMID: 15840476, 17905336, 22429796). ClinVar contains an entry for this variant (Variation ID: 67385). An algorithm developed to predict the effect of missense changes on protein structure and function (PolyPhen-2) suggests that this variant is likely to be disruptive. Experimental studies have shown that this missense change affects KCNH2 function (PMID: 25417810). For these reasons, this variant has been classified as Pathogenic.

Revvity Omics, Revvity
Classification: Pathogenic. Last evaluated: 2019-02-08. Review status: criteria provided, single submitter. Criteria: ACMG Guidelines, 2015. Collection method: clinical testing. Allele origin: germline.

GeneDx
Classification: Likely pathogenic. Last evaluated: 2017-05-10. Review status: criteria provided, single submitter. Criteria: GeneDx Variant Classification (06012015). Collection method: clinical testing. Allele origin: germline. Affected: yes.
Comment: The D774Y likely pathogenic variant in the KCNH2 gene has been reported previously in multiple unrelated patients with LQTS and has not been detected in over 1,500 reference alleles (Tester et al., 2005; Chung et al., 2007; Kapplinger et al, 2009). In addition, Obeyesekere et al. (2012), observed the D774Y variant in three individuals with a history of sudden cardiac death and prolonged end-recovery QTc.D774Y occurs in the S6/cyclic nucleotide-binding domain of the resultant protein, where many other pathogenic missense variants have been reported in association with LQTS (Stenson et al., 2014). According to the NHLBI Exome Sequencing Project, D774Y was not observed in approximately 6,500 individuals from European and African American backgrounds, indicating that it is not a common variant in these populations. In silico analysis predicts this variant is probably damaging to the protein structure/function. Nevertheless, the D774Y variant results in a conservative amino acid substitution, which is not likely to impact secondary structure as these residues share similar properties.In summary, the D774Y variant is a strong candidate to be pathogenic

Cardiovascular Biomedical Research Unit, Royal Brompton & Harefield NHS Foundation Trust
No classification provided. Condition: Familial long QT syndrome. Review status: no classification provided. Collection method: literature only. Allele origin: germline. Not counted in ClinVar's aggregate classification.
Comment: This variant has been reported as associated with Long QT syndrome in the following publications (PMID:15840476;PMID:17905336;PMID:19716085;PMID:22429796). This is a literature report, and does not necessarily reflect the clinical interpretation of the Imperial College / Royal Brompton Cardiovascular Genetics laboratory.

Literature cited by the submitters: PubMed 15840476 (cited by Labcorp Genetics (formerly Invitae), Labcorp and Cardiovascular Biomedical Research Unit, Royal Brompton & Harefield NHS Foundation Trust); PubMed 17905336 (cited by Labcorp Genetics (formerly Invitae), Labcorp and Cardiovascular Biomedical Research Unit, Royal Brompton & Harefield NHS Foundation Trust); PubMed 22429796 (cited by Labcorp Genetics (formerly Invitae), Labcorp and Cardiovascular Biomedical Research Unit, Royal Brompton & Harefield NHS Foundation Trust); PubMed 25417810 (cited by Labcorp Genetics (formerly Invitae), Labcorp); PubMed 19716085 (cited by Cardiovascular Biomedical Research Unit, Royal Brompton & Harefield NHS Foundation Trust); PubMed 22581653 (cited by Cardiovascular Biomedical Research Unit, Royal Brompton & Harefield NHS Foundation Trust).